The following is an entry in ClinVar:

ClinVar aggregate classification (germline): Uncertain significance (1 of 4 stars; one submission).

Conditions:
Cardiovascular phenotype. Identifiers: MedGen CN230736.

Submission:

Ambry Genetics
Classification: Uncertain significance for Cardiovascular phenotype. Last evaluated: 2024-08-28. Review status: criteria provided, single submitter. Criteria: Ambry Variant Classification Scheme 2023. Collection method: clinical testing. Allele origin: germline.
Comment: The p.R353M variant (also known as c.1058G>T), located in coding exon 9 of the TRPM4 gene, results from a G to T substitution at nucleotide position 1058. The arginine at codon 353 is replaced by methionine, an amino acid with similar properties. This amino acid position is conserved. In addition, this alteration is predicted to be tolerated by in silico analysis. Based on the available evidence, the clinical significance of this variant remains unclear.

NM_017636.4(TRPM4):c.1058G>T (p.Arg353Met)

Gene: TRPM4 (transient receptor potential cation channel subfamily M member 4; plus strand). Cytogenetic location: 19q13.33.
Variant type: single nucleotide variant.
Coding change: c.1058G>T on transcript NM_017636.4 (MANE Select); coding-DNA position 1058, G replaced by T.
Protein change: p.Arg353Met; replaces arginine 353 with methionine.
Molecular consequence: missense variant. On other transcripts: 5 prime UTR variant (1), intron variant (1).
Genome position (GRCh38, 1-based): chr19:49,172,016, G>T. VCF-style: chr19-49172016-G-T. GRCh37 (hg19) VCF-style: chr19-49675273-G-T.
Other names: c.1058G>T, p.Arg353Met (NM_001195227.2); c.713G>T, p.Arg238Met (NM_001321281.2); c.-496G>T (NM_001321282.2); c.536G>T, p.Arg179Met (NM_001321283.2); c.201+247G>T (NM_001321285.2); short protein forms R238M, R353M, R179M.
Identifiers: ClinVar variation 3462143 (VCV003462143.1).